The following is an entry in ClinVar:

NM_006182.4(DDR2):c.1211G>A (p.Cys404Tyr)

Gene: DDR2 (discoidin domain receptor tyrosine kinase 2; plus strand). Cytogenetic location: 1q23.3.
Variant type: single nucleotide variant.
Coding change: c.1211G>A on transcript NM_006182.4 (MANE Select); coding-DNA position 1211, G replaced by A.
Protein change: p.Cys404Tyr; replaces cysteine 404 with tyrosine.
Molecular consequence: missense variant.
Genome position (GRCh38, 1-based): chr1:162,767,277, G>A. VCF-style: chr1-162767277-G-A. GRCh37 (hg19) VCF-style: chr1-162737067-G-A.
Other names: c.1211G>A, p.Cys404Tyr (NM_001014796.3, NM_001354982.2, NM_001354983.2); short protein forms C404Y.
Identifiers: ClinVar variation 4881653 (VCV004881653.2).
Genomic context (GRCh38, chr1:162,767,277, plus strand): 5'-CCCTGGTCACAGATCCAATGCTTAAAGTTGATGACAGCAACACTCGGATCCTGATTGGCT[G>A]CTTGGTGGCCATCATCTTTATCCTCCTGGCCATCATTGTCATCATCCTCTGGAGGCAGTT-3'
Protein context (NP_006173.2, residues 394-414): DDSNTRILIG[Cys404Tyr]LVAIIFILLA

ClinVar aggregate classification (germline): Uncertain significance (1 of 4 stars; one submission).

gnomAD v4.1: 4 of 1,614,128 alleles (0.00025%); highest among the groups gnomAD compares: South Asian, 0.0011%; no homozygotes.

Submission:

Dasa
Classification: Uncertain significance. Last evaluated: 2025-08-28. Review status: criteria provided, single submitter. Criteria: DASA Assertion Criteria. Collection method: clinical testing. Allele origin: germline.
Comment: NM_006182.4(DDR2):c.1211G>A (p.Cys404Tyr) is a missense variant that results in the substitution of cysteine with tyrosine. This variant is rare in population databases. Computational prediction algorithms are consistent with a deleterious effect. The currently available literature and clinical evidence are not sufficient to establish a definitive association between this variant and the reported condition. Therefore, this variant is classified as a variant of uncertain significance.